The following is an entry in ClinVar:

ClinVar aggregate classification (germline): Uncertain significance. Review status: criteria provided, multiple submitters, no conflicts (2 of 4 stars). 2 submissions from 2 submitters: Uncertain significance (2). Last evaluated 2025-07-15.

Conditions:
Inborn genetic diseases. Identifiers: MedGen C0950123, MeSH D030342.
Baller-Gerold syndrome (BGS). Also called: CRANIOSYNOSTOSIS WITH RADIAL DEFECTS. Identifiers: Orphanet 1225, MedGen C0265308, MONDO:0009039, OMIM 218600.

Allele frequency attached by ClinVar (database versions not stated): TOPMed below 0.00001; gnomAD 0.00001.
gnomAD v4.1: 22 of 1,609,010 alleles (0.0014%); highest among the groups gnomAD compares: Non-Finnish European, 0.0019%; no homozygotes.

Submissions (2):

Labcorp Genetics (formerly Invitae), Labcorp
Classification: Uncertain significance for Baller-Gerold syndrome. Last evaluated: 2025-07-15. Review status: criteria provided, single submitter. Criteria: Invitae Variant Classification Sherloc (09022015). Collection method: clinical testing. Allele origin: germline.
Comment: This sequence change replaces glutamic acid, which is acidic and polar, with lysine, which is basic and polar, at codon 1095 of the RECQL4 protein (p.Glu1095Lys). This variant is present in population databases (no rsID available, gnomAD 0.007%). This variant has not been reported in the literature in individuals affected with RECQL4-related conditions. ClinVar contains an entry for this variant (Variation ID: 2203228). Invitae Evidence Modeling of protein sequence and biophysical properties (such as structural, functional, and spatial information, amino acid conservation, physicochemical variation, residue mobility, and thermodynamic stability) indicates that this missense variant is not expected to disrupt RECQL4 protein function with a negative predictive value of 80%. In summary, the available evidence is currently insufficient to determine the role of this variant in disease. Therefore, it has been classified as a Variant of Uncertain Significance.

Ambry Genetics
Classification: Uncertain significance for Inborn genetic diseases. Last evaluated: 2024-11-21. Review status: criteria provided, single submitter. Criteria: Ambry Variant Classification Scheme 2023. Collection method: clinical testing. Allele origin: germline.
Comment: The p.E1095K variant (also known as c.3283G>A), located in coding exon 19 of the RECQL4 gene, results from a G to A substitution at nucleotide position 3283. The glutamic acid at codon 1095 is replaced by lysine, an amino acid with similar properties. This amino acid position is conserved. Based on the available evidence, the clinical significance of this variant remains unclear.

NM_004260.4(RECQL4):c.3283G>A (p.Glu1095Lys)

Gene: RECQL4 (RecQ like helicase 4; minus strand). Cytogenetic location: 8q24.3.
Variant type: single nucleotide variant.
Coding change: c.3283G>A on transcript NM_004260.4 (MANE Select); coding-DNA position 3283, G replaced by A.
Protein change: p.Glu1095Lys; replaces glutamic acid 1095 with lysine.
Molecular consequence: missense variant.
Genome position (GRCh38, 1-based): chr8:144,512,021, C>T on the plus strand (G>A on the coding strand, the complement: RECQL4 is on the minus strand). VCF-style: chr8-144512021-C-T. GRCh37 (hg19) VCF-style: chr8-145737404-C-T.
Other names: c.2989G>A, p.Glu997Lys (NM_001413017.1); c.3085G>A, p.Glu1029Lys (NM_001413018.1); c.3358G>A, p.Glu1120Lys (NM_001413019.1); c.3187G>A, p.Glu1063Lys (NM_001413020.1); c.2212G>A, p.Glu738Lys (NM_001413021.1, NM_001413022.1, NM_001413024.1 and 4 more transcripts); c.2287G>A, p.Glu763Lys (NM_001413023.1); c.3154G>A, p.Glu1052Lys (NM_001413025.1); c.2146G>A, p.Glu716Lys (NM_001413027.1, NM_001413030.1, NM_001413032.1); and 10 more; short protein forms E1063K, E716K, E728K, E1029K, E1051K, E1052K, E1095K, E672K.
Identifiers: ClinVar variation 2203228 (VCV002203228.3), dbSNP rs898264400, ClinGen allele CA187679157.